The following is an entry in ClinVar:

NM_133261.3(GIPC3):c.*684A>G

Gene: GIPC3 (GIPC PDZ domain containing family member 3; plus strand). Cytogenetic location: 19p13.3.
Variant type: single nucleotide variant.
Coding change: c.*684A>G on transcript NM_133261.3 (MANE Select); 684 bases downstream of the stop codon, A replaced by G.
Molecular consequence: 3 prime UTR variant. On other transcripts: missense variant (1).
Genome position (GRCh38, 1-based): chr19:3,590,874, A>G. VCF-style: chr19-3590874-A-G. GRCh37 (hg19) VCF-style: chr19-3590872-A-G.
Other names: c.1636A>G, p.Lys546Glu (NM_001411144.1); short protein forms K546E.
Identifiers: ClinVar variation 3772654 (VCV003772654.13).

ClinVar aggregate classification (germline): Likely benign (1 of 4 stars; one submission).

gnomAD v4.1: 6,111 of 1,208,156 alleles (0.51%); highest among the groups gnomAD compares: Admixed American, 0.64%; 109 homozygotes.

Submission:

CeGaT Center for Human Genetics Tuebingen
Classification: Likely benign. Last evaluated: 2026-08-01. Review status: criteria provided, single submitter. Criteria: CeGaT Center For Human Genetics Tuebingen Variant Classification Criteria Version 2. Collection method: clinical testing. Allele origin: germline. Affected: yes. Observed: 16 variant alleles.
Comment: GIPC3: BS2